The following is an entry in ClinVar:

ClinVar aggregate classification (germline): Benign/Likely benign. Review status: criteria provided, multiple submitters, no conflicts (2 of 4 stars). 3 submissions from 2 submitters: Benign (1); Likely benign (2). Last evaluated 2018-01-12.

Conditions:
Cone-rod dystrophy 11 (CORD11). Identifiers: Orphanet 1872, MedGen C1835865, MONDO:0012483, OMIM 610381.
Age related macular degeneration 6. Identifiers: MedGen C3151060, MONDO:0013406, OMIM 613757.

Allele frequency attached by ClinVar (database versions not stated): 1000 Genomes Project 30x 0.00016; 1000 Genomes Project 0.00020; gnomAD 0.00048; TOPMed 0.00051; gnomAD exomes 0.00077; ExAC 0.00208.

Submissions (3):

Illumina Laboratory Services, Illumina
Classification: Benign for Cone-rod dystrophy 11. Last evaluated: 2018-01-12. Review status: criteria provided, single submitter. Criteria: ICSL Variant Classification Criteria 13 December 2019. Collection method: clinical testing. Allele origin: germline.
Comment: This variant was observed in the ICSL laboratory as part of a predisposition screen in an ostensibly healthy population. It had not been previously curated by ICSL or reported in the Human Gene Mutation Database (HGMD: prior to June 1st, 2018), and was therefore a candidate for classification through an automated scoring system. Utilizing variant allele frequency, disease prevalence and penetrance estimates, and inheritance mode, an automated score was calculated to assess if this variant is too frequent to cause the disease. Based on the score and internal cut-off values, a variant classified as benign is not then subjected to further curation. The score for this variant resulted in a classification of benign for this disease.

Illumina Laboratory Services, Illumina
Classification: Likely benign for Age related macular degeneration 6. Last evaluated: 2018-01-12. Review status: criteria provided, single submitter. Criteria: ICSL Variant Classification Criteria 13 December 2019. Collection method: clinical testing. Allele origin: germline.
Comment: This variant was observed in the ICSL laboratory as part of a predisposition screen in an ostensibly healthy population. It had not been previously curated by ICSL or reported in the Human Gene Mutation Database (HGMD: prior to June 1st, 2018), and was therefore a candidate for classification through an automated scoring system. Utilizing variant allele frequency, disease prevalence and penetrance estimates, and inheritance mode, an automated score was calculated to assess if this variant is too frequent to cause the disease. Based on the score and internal cut-off values, a variant classified as likely benign is not then subjected to further curation. The score for this variant resulted in a classification of likely benign for this disease.

Breakthrough Genomics
Classification: Likely benign. Review status: criteria provided, single submitter. Criteria: ACMG Guidelines, 2015. Collection method: not provided. Allele origin: germline. Inheritance: Autosomal recessive inheritance. Affected: yes.

NM_001319074.4(RAX2):c.-281G>A

Gene: RAX2 (retina and anterior neural fold homeobox 2; minus strand). Cytogenetic location: 19p13.3.
Variant type: single nucleotide variant.
Coding change: c.-281G>A on transcript NM_001319074.4 (MANE Select); 281 bases upstream of the start codon, G replaced by A.
Molecular consequence: 5 prime UTR variant.
Genome position (GRCh38, 1-based): chr19:3,772,175, C>T on the plus strand (G>A on the coding strand, the complement: RAX2 is on the minus strand). VCF-style: chr19-3772175-C-T. GRCh37 (hg19) VCF-style: chr19-3772173-C-T.
Other names: c.-22G>A (NM_032753.4).
Identifiers: ClinVar variation 328975 (VCV000328975.6), dbSNP rs182965071, ClinGen allele CA9085193.